The following is an entry in ClinVar:

NM_000051.4(ATM):c.7566A>T (p.Gln2522His)

Genes: ATM (ATM serine/threonine kinase; plus strand), C11orf65 (chromosome 11 open reading frame 65; minus strand). Cytogenetic location: 11q22.3.
Variant type: single nucleotide variant.
Coding change: c.7566A>T on transcript NM_000051.4 (MANE Select); coding-DNA position 7566, A replaced by T.
Protein change: p.Gln2522His; replaces glutamine 2522 with histidine.
Molecular consequence: missense variant. On other transcripts: non-coding transcript variant (1), intron variant (2).
Genome position (GRCh38, 1-based): chr11:108,331,494, A>T. VCF-style: chr11-108331494-A-T. GRCh37 (hg19) VCF-style: chr11-108202221-A-T.
Other names: c.7566A>T, p.Gln2522His (NM_001351834.2); c.641-22423T>A (NM_001330368.2); c.*38+3726T>A (NM_001351110.2); short protein forms Q2522H.
Identifiers: ClinVar variation 453693 (VCV000453693.14), dbSNP rs775621333, ClinGen allele CA382560742.

ClinVar aggregate classification (germline): Uncertain significance. Review status: criteria provided, multiple submitters, no conflicts (2 of 4 stars). 2 submissions from 2 submitters: Uncertain significance (2). Last evaluated 2025-11-03.

Conditions:
Hereditary cancer-predisposing syndrome. Also called: Neoplastic Syndromes, Hereditary; Hereditary Cancer Syndrome; Tumor predisposition; Hereditary neoplastic syndrome. Identifiers: Orphanet 140162, MedGen C0027672, MeSH D009386, MONDO:0015356.
Ataxia-telangiectasia syndrome (AT). Also called: LOUIS-BAR SYNDROME; Cerebello-oculocutaneous telangiectasia; Immunodeficiency with ataxia telangiectasia; Ataxia-telangiectasia, complementation group D; AT, COMPLEMENTATION GROUP C; Ataxia-telangiectasia, complementation group E. Identifiers: Orphanet 100, MedGen C0004135, MONDO:0008840, OMIM 208900.

gnomAD v4.1: 1 of 1,613,492 alleles (0.000062%); highest among the groups gnomAD compares: Non-Finnish European, 0.000085%; no homozygotes.

Submissions (2):

Labcorp Genetics (formerly Invitae), Labcorp
Classification: Uncertain significance for Ataxia-telangiectasia syndrome. Last evaluated: 2025-11-03. Review status: criteria provided, single submitter. Criteria: Invitae Variant Classification Sherloc (09022015). Collection method: clinical testing. Allele origin: germline.
Comment: This sequence change replaces glutamine, which is neutral and polar, with histidine, which is basic and polar, at codon 2522 of the ATM protein (p.Gln2522His). This variant is present in population databases (no rsID available, gnomAD 0.0009%). This variant has not been reported in the literature in individuals affected with ATM-related conditions. ClinVar contains an entry for this variant (Variation ID: 453693). Invitae Evidence Modeling of protein sequence and biophysical properties (such as structural, functional, and spatial information, amino acid conservation, physicochemical variation, residue mobility, and thermodynamic stability) indicates that this missense variant is not expected to disrupt ATM protein function with a negative predictive value of 95%. In summary, the available evidence is currently insufficient to determine the role of this variant in disease. Therefore, it has been classified as a Variant of Uncertain Significance.

Ambry Genetics
Classification: Uncertain significance for Hereditary cancer-predisposing syndrome. Last evaluated: 2024-08-20. Review status: criteria provided, single submitter. Criteria: Ambry Variant Classification Scheme 2023. Collection method: clinical testing. Allele origin: germline.
Comment: The p.Q2522H variant (also known as c.7566A>T), located in coding exon 50 of the ATM gene, results from an A to T substitution at nucleotide position 7566. The glutamine at codon 2522 is replaced by histidine, an amino acid with highly similar properties. This amino acid position is highly conserved in available vertebrate species. In addition, this alteration is predicted to be deleterious by in silico analysis. Based on the available evidence, the clinical significance of this variant remains unclear.